The following is an entry in ClinVar:

ClinVar aggregate classification (germline): Uncertain significance (1 of 4 stars; one submission).

Conditions:
Stormorken syndrome (STRMK). Also called: THROMBOCYTOPATHY, ASPLENIA, AND MIOSIS. Identifiers: Orphanet 3204, MedGen C1861451, MONDO:0008497, OMIM 185070.
Combined immunodeficiency due to STIM1 deficiency. Also called: STIM1 DEFICIENCY; IMMUNODEFICIENCY 10. Identifiers: Orphanet 169090, Orphanet 317430, MedGen C2748557, MONDO:0013008, OMIM 612783.
Myopathy with tubular aggregates (TAM). Also called: Tubular Aggregate Myopathy. Identifiers: Orphanet 2593, MedGen C0410207, MONDO:0008051.

Allele frequency attached by ClinVar (database versions not stated): gnomAD exomes below 0.00001 and 0.00001.
gnomAD v4.1: 7 of 1,579,192 alleles (0.00044%); highest among the groups gnomAD compares: South Asian, 0.0023%; no homozygotes.

Submission:

Labcorp Genetics (formerly Invitae), Labcorp
Classification: Uncertain significance for Myopathy with tubular aggregates; Combined immunodeficiency due to STIM1 deficiency; Stormorken syndrome. Last evaluated: 2024-06-09. Review status: criteria provided, single submitter. Criteria: Invitae Variant Classification Sherloc (09022015). Collection method: clinical testing. Allele origin: germline.
Comment: This sequence change replaces arginine, which is basic and polar, with cysteine, which is neutral and slightly polar, at codon 313 of the STIM1 protein (p.Arg313Cys). This variant is present in population databases (no rsID available, gnomAD 0.004%). This variant has not been reported in the literature in individuals affected with STIM1-related conditions. ClinVar contains an entry for this variant (Variation ID: 942156). Advanced modeling of protein sequence and biophysical properties (such as structural, functional, and spatial information, amino acid conservation, physicochemical variation, residue mobility, and thermodynamic stability) has been performed at Invitae for this missense variant, however the output from this modeling did not meet the statistical confidence thresholds required to predict the impact of this variant on STIM1 protein function. In summary, the available evidence is currently insufficient to determine the role of this variant in disease. Therefore, it has been classified as a Variant of Uncertain Significance.

NM_001382567.1(STIM1):c.937C>T (p.Arg313Cys)

Gene: STIM1 (stromal interaction molecule 1; plus strand). Cytogenetic location: 11p15.4.
Variant type: single nucleotide variant.
Coding change: c.937C>T on transcript NM_001382567.1 (MANE Select); coding-DNA position 937, C replaced by T.
Protein change: p.Arg313Cys; replaces arginine 313 with cysteine.
Molecular consequence: missense variant.
Genome position (GRCh38, 1-based): chr11:4,074,647, C>T. VCF-style: chr11-4074647-C-T. GRCh37 (hg19) VCF-style: chr11-4095877-C-T.
Other names: c.937C>T, p.Arg313Cys (NM_001277961.3, NM_001277962.2, NM_001382568.1 and 2 more transcripts); c.715C>T, p.Arg239Cys (NM_001382566.1, NM_001382573.1, NM_001382574.1 and 5 more transcripts); c.802C>T, p.Arg268Cys (NM_001382569.1); c.709C>T, p.Arg237Cys (NM_001382570.1); c.457C>T, p.Arg153Cys (NM_001382571.1); c.448C>T, p.Arg150Cys (NM_001382580.1, NM_001382581.1); short protein forms R153C, R237C, R239C, R313C, R150C, R268C.
Identifiers: ClinVar variation 942156 (VCV000942156.10), dbSNP rs1248955977, ClinGen allele CA379191109.